The following is an entry in ClinVar:

ClinVar aggregate classification (germline): Likely benign. Review status: criteria provided, single submitter (1 of 4 stars). 2 submissions from 2 submitters: Likely benign (1). 1 of the submissions does not count toward it. Last evaluated 2023-09-05.

Conditions:
KIF5C-related disorder. Also called: KIF5C-related condition.

Allele frequency attached by ClinVar (database versions not stated): gnomAD 0.00002; TOPMed 0.00002; ExAC 0.00003.
gnomAD v4.1: 23 of 1,590,784 alleles (0.0014%); highest among the groups gnomAD compares: Admixed American, 0.037%; no homozygotes.

Submissions (2):

Blueprint Genetics
Classification: Likely benign. Last evaluated: 2023-09-05. Review status: criteria provided, single submitter. Criteria: ACMG Guidelines, 2015. Collection method: clinical testing. Allele origin: germline.

PreventionGenetics, part of Exact Sciences
Classification: Likely benign for KIF5C-related condition. Last evaluated: 2019-07-15. Review status: no assertion criteria provided. Collection method: clinical testing. Allele origin: germline. Not counted in ClinVar's aggregate classification.
Comment: This variant is classified as likely benign based on ACMG/AMP sequence variant interpretation guidelines (Richards et al. 2015 PMID: 25741868, with internal and published modifications).

NM_004522.3(KIF5C):c.2674C>A (p.Arg892=)

Gene: KIF5C (kinesin family member 5C; plus strand). Cytogenetic location: 2q23.2.
Variant type: single nucleotide variant.
Coding change: c.2674C>A on transcript NM_004522.3 (MANE Select); coding-DNA position 2674, C replaced by A.
Protein change: p.Arg892=; no amino-acid change (arginine 892 retained).
Molecular consequence: synonymous variant. On other transcripts: non-coding transcript variant (1).
Genome position (GRCh38, 1-based): chr2:149,010,258, C>A. VCF-style: chr2-149010258-C-A. GRCh37 (hg19) VCF-style: chr2-149866772-C-A.
Identifiers: ClinVar variation 3050271 (VCV003050271.3), dbSNP rs755736014, ClinGen allele CA1901749.